The following is an entry in ClinVar:

NM_004646.4(NPHS1):c.3G>A (p.Met1Ile)

Genes: KIRREL2 (kirre like nephrin family adhesion molecule 2; plus strand), NPHS1 (NPHS1 adhesion molecule, nephrin; minus strand). Cytogenetic location: 19q13.12.
Variant type: single nucleotide variant.
Coding change: c.3G>A on transcript NM_004646.4 (MANE Select); coding-DNA position 3, G replaced by A.
Protein change: p.Met1Ile; changes the start codon (methionine 1).
Molecular consequence: missense variant, initiator codon variant.
Genome position (GRCh38, 1-based): chr19:35,851,835, C>T on the plus strand (G>A on the coding strand, the complement: NPHS1 is on the minus strand). VCF-style: chr19-35851835-C-T. GRCh37 (hg19) VCF-style: chr19-36342737-C-T.
Other names: short protein forms M1I.
Identifiers: ClinVar variation 4815388 (VCV004815388.1).

ClinVar aggregate classification (germline): Likely pathogenic (1 of 4 stars; one submission).

Conditions:
Finnish congenital nephrotic syndrome (NPHS1). Also called: NEPHROTIC SYNDROME, TYPE 1. Identifiers: Orphanet 839, MedGen C0403399, MONDO:0009732, OMIM 256300.

gnomAD v4.1: 2 of 1,551,334 alleles (0.00013%); highest among the groups gnomAD compares: Non-Finnish European, 0.00017%; no homozygotes.

Submission:

Natera, Inc.
Classification: Likely pathogenic for Finnish congenital nephrotic syndrome. Last evaluated: 2024-10-12. Review status: criteria provided, single submitter. Criteria: Natera Variant Classification Schema (03/2026). Collection method: clinical testing. Allele origin: germline.
Comment: The c.3G>A variant in NPHS1 is predicted to result in start loss due to disruption of the initiator methionine. This variant is expected to result in nonsense mediated decay, truncation, or a dysfunctional protein product. This variant is rare in the general population with a frequency below the threshold expected for the associated phenotype(s). Given the available evidence, this variant is classified as Likely Pathogenic.